The following is an entry in ClinVar:

ClinVar aggregate classification (germline): Pathogenic. Review status: criteria provided, multiple submitters, no conflicts (2 of 4 stars). 2 submissions from 2 submitters: Pathogenic (2). Last evaluated 2022-07-17.

Conditions:
Duchenne muscular dystrophy (DMD). Also called: Duchenne Muscular Dystrophy (DMD); MUSCULAR DYSTROPHY, PSEUDOHYPERTROPHIC PROGRESSIVE, DUCHENNE TYPE. Identifiers: Orphanet 98896, MedGen C0013264, MONDO:0010679, OMIM 310200.

Submissions (2):

Labcorp Genetics (formerly Invitae), Labcorp
Classification: Pathogenic for Duchenne muscular dystrophy. Last evaluated: 2022-07-17. Review status: criteria provided, single submitter. Criteria: Invitae Variant Classification Sherloc (09022015). Collection method: clinical testing. Allele origin: germline.
Comment: For these reasons, this variant has been classified as Pathogenic. ClinVar contains an entry for this variant (Variation ID: 817126). This variant has not been reported in the literature in individuals affected with DMD-related conditions. This variant is not present in population databases (gnomAD no frequency). This sequence change creates a premature translational stop signal (p.Gln442Thrfs*6) in the DMD gene. It is expected to result in an absent or disrupted protein product. Loss-of-function variants in DMD are known to be pathogenic (PMID: 16770791, 25007885).

GeneDx
Classification: Pathogenic. Last evaluated: 2018-07-03. Review status: criteria provided, single submitter. Criteria: GeneDx Variant Classification (06012015). Collection method: clinical testing. Allele origin: germline. Affected: yes.
Comment: The c.1323dupA variant has been reported previously in association with dystrophinopathy (Aartsma-Rus et al., 2006). The c.1323dupA variant causes a frameshift starting with codon Glutamine 442, changes this amino acid to a Threonine residue, and creates a premature Stop codon at position 6 of the new reading frame, denoted p.Gln442ThrfsX6. This variant is predicted to cause loss of normal protein function either through protein truncation or nonsense-mediated mRNA decay. The c.1323dupA variant is not observed in large population cohorts (Lek et al., 2016). The C.1323dupA variant is interpreted to be pathogenic.

Literature cited by the submitters: PubMed 16770791 (cited by Labcorp Genetics (formerly Invitae), Labcorp); PubMed 25007885 (cited by Labcorp Genetics (formerly Invitae), Labcorp).

NM_004006.3(DMD):c.1323dup (p.Gln442fs)

Gene: DMD (dystrophin; minus strand). Cytogenetic location: Xp21.1.
Variant type: Duplication.
Coding change: c.1323dup on transcript NM_004006.3 (MANE Select); coding-DNA position 1323, one base duplicated (A; older notation c.1323dupA).
Protein change: p.Gln442fs; shifts the reading frame from glutamine 442.
Molecular consequence: frameshift variant.
Genome position (GRCh38, 1-based): chrX:32,644,140, T duplicated on the plus strand (A on the coding strand, the reverse complement: DMD is on the minus strand); the first of 5 consecutive T bases (chrX:32,644,140-32,644,144); duplicating any one gives the same sequence. VCF-style (leftmost placement, unchanged base first): chrX-32644139-G-GT. GRCh37 (hg19) VCF-style: chrX-32662256-G-GT.
Other names: c.1323dup (NM_004006.2); c.1299dup, p.Gln434fs (NM_000109.4); c.1311dup, p.Gln438fs (NM_004009.3); c.954dup, p.Gln319fs (NM_004010.3); short protein forms Q434fs, Q442fs, Q438fs, Q319fs.
Identifiers: ClinVar variation 817126 (VCV000817126.9), dbSNP rs1602459252, ClinGen allele CA915950934.